The following is an entry in ClinVar:

NM_017946.4(FKBP14):c.6G>T (p.Arg2Ser)

Genes: FKBP14 (FKBP prolyl isomerase 14; minus strand), FKBP14-AS1 (FKBP14 antisense RNA 1; plus strand). Cytogenetic location: 7p14.3.
Variant type: single nucleotide variant.
Coding change: c.6G>T on transcript NM_017946.4 (MANE Select); coding-DNA position 6, G replaced by T.
Protein change: p.Arg2Ser; replaces arginine 2 with serine.
Molecular consequence: missense variant. On other transcripts: non-coding transcript variant (2).
Genome position (GRCh38, 1-based): chr7:30,026,503, C>A on the plus strand (G>T on the coding strand, the complement: FKBP14 is on the minus strand). VCF-style: chr7-30026503-C-A. GRCh37 (hg19) VCF-style: chr7-30066119-C-A.
Other names: c.6G>T (NM_017946.2); short protein forms R2S.
Identifiers: ClinVar variation 1522829 (VCV001522829.7), dbSNP rs2127950957, ClinGen allele CA367118523.

ClinVar aggregate classification (germline): Uncertain significance. Review status: criteria provided, multiple submitters, no conflicts (2 of 4 stars). 3 submissions from 3 submitters: Uncertain significance (3). Last evaluated 2025-06-10.

Conditions:
Cardiovascular phenotype. Identifiers: MedGen CN230736.
Ehlers-Danlos syndrome, kyphoscoliotic type, 2. Also called: FKBP14-Kyphoscoliotic Ehlers-Danlos Syndrome; Ehlers-Danlos syndrome, kyphoscoliotic and deafness type; Ehlers-Danlos syndrome with progressive kyphoscoliosis, myopathy, and hearing loss. Identifiers: Orphanet 300179, MedGen C3281160, MONDO:0013800, OMIM 614557.

Submissions (3):

Ambry Genetics
Classification: Uncertain significance for Cardiovascular phenotype. Last evaluated: 2025-06-10. Review status: criteria provided, single submitter. Criteria: Ambry Variant Classification Scheme 2023. Collection method: clinical testing. Allele origin: germline.
Comment: The p.R2S variant (also known as c.6G>T), located in coding exon 1 of the FKBP14 gene, results from a G to T substitution at nucleotide position 6. The arginine at codon 2 is replaced by serine, an amino acid with dissimilar properties. This amino acid position is conserved. In addition, this alteration is predicted to be tolerated by in silico analysis. Based on the available evidence, the clinical significance of this variant remains unclear.

Women's Health and Genetics/Laboratory Corporation of America, LabCorp
Classification: Uncertain significance. Last evaluated: 2025-05-27. Review status: criteria provided, single submitter. Criteria: LabCorp Variant Classification Summary - May 2015. Collection method: clinical testing. Allele origin: germline.
Comment: Variant summary: FKBP14 c.6G>T (p.Arg2Ser) results in a non-conservative amino acid change in the encoded protein sequence. Algorithms developed to predict the effect of missense changes on protein structure and function are either unavailable or do not agree on the potential impact of this missense change. The variant was absent in 247834 control chromosomes. The available data on variant occurrences in the general population are insufficient to allow any conclusion about variant significance. To our knowledge, no occurrence of c.6G>T in individuals affected with Ehlers-Danlos syndrome, kyphoscoliotic type, 2 and no experimental evidence demonstrating its impact on protein function have been reported. ClinVar contains an entry for this variant (Variation ID: 1522829). Based on the evidence outlined above, the variant was classified as uncertain significance.

Labcorp Genetics (formerly Invitae), Labcorp
Classification: Uncertain significance for Ehlers-Danlos syndrome, kyphoscoliotic type, 2. Last evaluated: 2021-10-05. Review status: criteria provided, single submitter. Criteria: Invitae Variant Classification Sherloc (09022015). Collection method: clinical testing. Allele origin: germline.
Comment: In summary, the available evidence is currently insufficient to determine the role of this variant in disease. Therefore, it has been classified as a Variant of Uncertain Significance. Algorithms developed to predict the effect of missense changes on protein structure and function (SIFT, PolyPhen-2, Align-GVGD) all suggest that this variant is likely to be tolerated. This variant has not been reported in the literature in individuals affected with FKBP14-related conditions. This variant is not present in population databases (ExAC no frequency). This sequence change replaces arginine with serine at codon 2 of the FKBP14 protein (p.Arg2Ser). The arginine residue is weakly conserved and there is a moderate physicochemical difference between arginine and serine.